The following is an entry in ClinVar:

ClinVar aggregate classification (germline): Pathogenic/Likely pathogenic. Review status: criteria provided, multiple submitters, no conflicts (2 of 4 stars). 2 submissions from 2 submitters: Pathogenic (1); Likely pathogenic (1). Last evaluated 2025-04-07.

Conditions:
PLA2G6-associated neurodegeneration (PLAN). Also called: phospholipase A2-associated neurodegeneration. Identifiers: Orphanet 329303, MedGen CN204472, MONDO:0017998.
Infantile neuroaxonal dystrophy (NBIA2A). Also called: NEURODEGENERATION WITH BRAIN IRON ACCUMULATION 2A; SEITELBERGER DISEASE; Infantile neuroaxonal dystrophy 1. Identifiers: Orphanet 35069, MedGen C0270724, MONDO:0024457, OMIM 256600.

Allele frequency attached by ClinVar (database versions not stated): gnomAD 0.00001; ExAC 0.00002.
gnomAD v4.1: 16 of 1,613,770 alleles (0.00099%); highest among the groups gnomAD compares: South Asian, 0.0022%; no homozygotes.

Submissions (2):

Labcorp Genetics (formerly Invitae), Labcorp
Classification: Pathogenic for Infantile neuroaxonal dystrophy. Last evaluated: 2025-04-07. Review status: criteria provided, single submitter. Criteria: Invitae Variant Classification Sherloc (09022015). Collection method: clinical testing. Allele origin: germline.
Comment: This sequence change replaces serine, which is neutral and polar, with leucine, which is neutral and non-polar, at codon 557 of the PLA2G6 protein (p.Ser557Leu). This variant is present in population databases (rs769047790, gnomAD 0.009%). This missense change has been observed in individual(s) with PLA2G6-related conditions (PMID: 25634434). In at least one individual the data is consistent with being in trans (on the opposite chromosome) from a pathogenic variant. It has also been observed to segregate with disease in related individuals. ClinVar contains an entry for this variant (Variation ID: 2196766). Invitae Evidence Modeling of protein sequence and biophysical properties (such as structural, functional, and spatial information, amino acid conservation, physicochemical variation, residue mobility, and thermodynamic stability) indicates that this missense variant is expected to disrupt PLA2G6 protein function with a positive predictive value of 80%. For these reasons, this variant has been classified as Pathogenic.

Broad Center for Mendelian Genomics, Broad Institute of MIT and Harvard
Classification: Likely pathogenic for PLA2G6-associated neurodegeneration. Last evaluated: 2023-01-24. Review status: criteria provided, single submitter. Criteria: ACMG Guidelines, 2015. Collection method: curation. Allele origin: germline. Inheritance: Autosomal recessive inheritance.
Comment: The p.Ser557Leu variant in PLA2G6 has been reported in 2 individuals with PLA2G6-associated neurodegeneration (PMID: 25634434, Cheng et al. 2022), segregated with disease in 1 affected relative from 1 family (PMID: 25634434) and has been identified in 0.005% (1/21626) of European (Finnish) chromosomes by the Genome Aggregation Database (gnomAD; dbSNP ID: rs769047790). Although this variant has been seen in the general population in a heterozygous state, its frequency is low enough to be consistent with a recessive carrier frequency. Of the 2 affected individuals, 1 was a compound heterozygotes that carried a reported likely pathogenic variant in trans, which increases the likelihood that the p.Ser557Leu variant is pathogenic (PMID: Cheng et al. 2022). Computational prediction tools and conservation analyses suggest that this variant may impact the protein, though this information is not predictive enough to determine pathogenicity. The phenotype of an individual compound heterozygous for this variant is highly specific for PLA2G6-associated neurodegeneration based on brain iron accumulation of MRI consistent with disease (PMID: Cheng et al. 2022). In summary, although additional studies are required to fully establish its clinical significance, this variant is likely pathogenic for autosomal recessive PLA2G6-associated neurodegeneration. ACMG/AMP Criteria applied: PM2, PP3, PM3, PP4 (Richards 2015).

Literature cited by the submitters: PubMed 25634434 (cited by Labcorp Genetics (formerly Invitae), Labcorp).

NM_003560.4(PLA2G6):c.1670C>T (p.Ser557Leu)

Gene: PLA2G6 (phospholipase A2 group VI; minus strand). Cytogenetic location: 22q13.1.
Variant type: single nucleotide variant.
Coding change: c.1670C>T on transcript NM_003560.4 (MANE Select); coding-DNA position 1670, C replaced by T.
Protein change: p.Ser557Leu; replaces serine 557 with leucine.
Molecular consequence: missense variant.
Genome position (GRCh38, 1-based): chr22:38,120,831, G>A on the plus strand (C>T on the coding strand, the complement: PLA2G6 is on the minus strand). VCF-style: chr22-38120831-G-A. GRCh37 (hg19) VCF-style: chr22-38516838-G-A.
Other names: NM_001004426.3:c.1508C>T; c.1508C>T, p.Ser503Leu (NM_001004426.3, NM_001199562.3, NM_001349865.2 and 1 more transcripts); c.1670C>T, p.Ser557Leu (NM_001349864.2); c.1136C>T, p.Ser379Leu (NM_001349867.2); c.992C>T, p.Ser331Leu (NM_001349868.2); c.974C>T, p.Ser325Leu (NM_001349869.2); short protein forms S325L, S503L, S331L, S379L, S557L.
Identifiers: ClinVar variation 2196766 (VCV002196766.4), dbSNP rs769047790, ClinGen allele CA10230778.
Genomic context (GRCh38, chr22:38,120,831, plus strand): 5'-ACGTCCGTCATCTTGGTGTGCTCCCCAAACTCCCGCTTCAGGAACTCCTCCAGGGGCCCC[G>A]ACTCGTAGGGCCTGGAGCCCCGGAACACCTCATCCTTCATGCGAAAGTACATGCCGCGCA-3'
Protein context (NP_003551.2, residues 547-567): EVFRGSRPYE[Ser557Leu]GPLEEFLKRE